The following is an entry in ClinVar:

ClinVar aggregate classification (germline): Pathogenic (1 of 4 stars; one submission).

Conditions:
Combined immunodeficiency due to DOCK8 deficiency (HIES2). Also called: HYPER-IgE SYNDROME 2, AUTOSOMAL RECESSIVE, WITH RECURRENT INFECTIONS; DOCK8 Deficiency; HIES autosomal recessive; HYPER-IgE RECURRENT INFECTION SYNDROME 2, AUTOSOMAL RECESSIVE; Hyper-IgE recurrent infection syndrome, autosomal recessive. Identifiers: Orphanet 217390, MedGen C4722305, MONDO:0009478, OMIM 243700.

Submission:

Labcorp Genetics (formerly Invitae), Labcorp
Classification: Pathogenic for Combined immunodeficiency due to DOCK8 deficiency. Last evaluated: 2024-10-10. Review status: criteria provided, single submitter. Criteria: Invitae Variant Classification Sherloc (09022015). Collection method: clinical testing. Allele origin: germline.
Comment: This sequence change creates a premature translational stop signal (p.Leu1574*) in the DOCK8 gene. It is expected to result in an absent or disrupted protein product. Loss-of-function variants in DOCK8 are known to be pathogenic (PMID: 14722525, 19776401). This variant is not present in population databases (gnomAD no frequency). This variant has not been reported in the literature in individuals affected with DOCK8-related conditions. For these reasons, this variant has been classified as Pathogenic.

Literature cited by the submitters: PubMed 14722525; PubMed 19776401.

NM_203447.4(DOCK8):c.4719del (p.Ser1573_Leu1574insTer)

Gene: DOCK8 (dedicator of cytokinesis 8; plus strand). Cytogenetic location: 9p24.3.
Variant type: Deletion.
Coding change: c.4719del on transcript NM_203447.4 (MANE Select); coding-DNA position 4719, one base deleted (C; older notation c.4719delC).
Protein change: p.Ser1573_Leu1574insTer.
Molecular consequence: frameshift variant.
Genome position (GRCh38, 1-based): chr9:432,258, C deleted; the last of 2 consecutive C bases (chr9:432,257-432,258); deleting either gives the same sequence. VCF-style (leftmost placement, unchanged base first): chr9-432256-TC-T. GRCh37 (hg19) VCF-style: chr9-432256-TC-T.
Other names: c.4419del, p.Ser1473_Leu1474insTer (NM_001190458.2); c.4515del, p.Ser1505_Leu1506insTer (NM_001193536.2).
Identifiers: ClinVar variation 3722534 (VCV003722534.2).